The following is an entry in ClinVar:

ClinVar aggregate classification (germline): Pathogenic. Review status: criteria provided, single submitter (1 of 4 stars). 3 submissions from 3 submitters: Pathogenic (1). 2 of the submissions do not count toward it. Last evaluated 2023-09-09.

Conditions:
Cystinosis. Also called: Cystine diathesis; Cystine storage disease; Cystinoses. Identifiers: Orphanet 213, MedGen C4316899, MONDO:0016239.
Inborn genetic diseases. Identifiers: MedGen C0950123, MeSH D030342.
Ocular cystinosis. Also called: Non-Nephropathic Cystinosis; Non-Nephropathic (Ocular) Cystinosis. Identifiers: Orphanet 213, Orphanet 411641, MedGen C2931013, MONDO:0009064, OMIM 219750.
Juvenile nephropathic cystinosis. Also called: Intermediate Cystinosis; Later-Onset (Juvenile) Cystinosis; CYSTINOSIS, LATE-ONSET JUVENILE OR ADOLESCENT NEPHROPATHIC TYPE. Identifiers: Orphanet 213, Orphanet 411634, MedGen C0268626, MONDO:0009066, OMIM 219900.
Nephropathic cystinosis (CTNS). Also called: CYSTINOSIN, DEFECT OF; LYSOSOMAL CYSTINE TRANSPORT PROTEIN, DEFECT OF; Abderhalden Lignac Kaufmann disease; Abderhalden-Kaufmann-Lignac syndrome. Identifiers: Orphanet 213, Orphanet 411629, MedGen C2931187, MONDO:0100151, OMIM 219800.

Submissions (3):

Labcorp Genetics (formerly Invitae), Labcorp
Classification: Pathogenic for Inborn genetic diseases; Ocular cystinosis; Juvenile nephropathic cystinosis. Last evaluated: 2023-09-09. Review status: criteria provided, single submitter. Criteria: Invitae Variant Classification Sherloc (09022015). Collection method: clinical testing. Allele origin: germline.
Comment: For these reasons, this variant has been classified as Pathogenic. ClinVar contains an entry for this variant (Variation ID: 253206). This premature translational stop signal has been observed in individual(s) with cystinosis (PMID: 28238446, 35513889). This variant is not present in population databases (gnomAD no frequency). This sequence change creates a premature translational stop signal (p.Ser86Phefs*38) in the CTNS gene. It is expected to result in an absent or disrupted protein product. Loss-of-function variants in CTNS are known to be pathogenic (PMID: 9537412, 27102039).

Rasad Genetic Department, Rasad Pathobiology and Genetic Laboratory
Classification: Pathogenic for Nephropathic cystinosis. Last evaluated: 2020-01-01. Review status: no assertion criteria provided. Collection method: clinical testing. Allele origin: inherited. Affected: yes. Not counted in ClinVar's aggregate classification.

Clinical Genetics and Genomics Laboratory, Noor Shahriyar Hospital
Classification: Pathogenic. Review status: no assertion criteria provided. Collection method: clinical testing. Allele origin: inherited. Inheritance: Autosomal recessive inheritance. Affected: yes. Study: Pattern of CTNS mutation in Iranian patients with Cystinosis. Not counted in ClinVar's aggregate classification.

Literature cited by the submitters: PubMed 28238446 (cited by Labcorp Genetics (formerly Invitae), Labcorp); PubMed 35513889 (cited by Labcorp Genetics (formerly Invitae), Labcorp); PubMed 9537412 (cited by Labcorp Genetics (formerly Invitae), Labcorp); PubMed 27102039 (cited by Labcorp Genetics (formerly Invitae), Labcorp).

NM_004937.3(CTNS):c.257_258del (p.Ser86fs)

Genes: CTNS (cystinosin, lysosomal cystine transporter; plus strand), CTNS-AS1 (CTNS antisense RNA 1; minus strand). Cytogenetic location: 17p13.2.
Variant type: Microsatellite.
Coding change: c.257_258del on transcript NM_004937.3 (MANE Select); coding-DNA positions 257 to 258, 2 bases deleted (CT; older notation c.257_258delCT).
Protein change: p.Ser86fs; shifts the reading frame from serine 86.
Molecular consequence: frameshift variant. On other transcripts: 5 prime UTR variant (4).
Genome position (GRCh38, 1-based): chr17:3,655,029-3,655,030, CT deleted; deleting any 2 consecutive bases within chr17:3,655,027-3,655,030 gives the same sequence; the c. name uses the placement nearest the transcript's 3' end. VCF-style (leftmost placement, unchanged base first): chr17-3655026-CCT-C. GRCh37 (hg19) VCF-style: chr17-3558320-CCT-C.
Other names: c.257_258del, p.Ser86fs (NM_001031681.3, NM_001374492.1); c.-187CT[1] (NM_001374493.1, NM_001374494.1, NM_001374495.1 and 1 more transcripts); c.257_258delCT (NM_001031681.3); short protein forms S86fs.
Identifiers: ClinVar variation 253206 (VCV000253206.31), dbSNP rs879255614, ClinGen allele CA10586236.